The following is an entry in ClinVar:

NM_001164665.2(KIAA1549):c.4385C>T (p.Ser1462Leu)

Gene: KIAA1549 (KIAA1549; minus strand). Cytogenetic location: 7q34.
Variant type: single nucleotide variant.
Coding change: c.4385C>T on transcript NM_001164665.2 (MANE Select); coding-DNA position 4385, C replaced by T.
Protein change: p.Ser1462Leu; replaces serine 1462 with leucine.
Molecular consequence: missense variant.
Genome position (GRCh38, 1-based): chr7:138,871,323, G>A on the plus strand (C>T on the coding strand, the complement: KIAA1549 is on the minus strand). VCF-style: chr7-138871323-G-A. GRCh37 (hg19) VCF-style: chr7-138556069-G-A.
Other names: c.4385C>T, p.Ser1462Leu (NM_020910.3); short protein forms S1462L.
Identifiers: ClinVar variation 1496419 (VCV001496419.7), dbSNP rs752229213, ClinGen allele CA4505914.

ClinVar aggregate classification (germline): Uncertain significance (1 of 4 stars; one submission).

Allele frequency attached by ClinVar (database versions not stated): gnomAD 0.00001; gnomAD exomes 0.00001; ExAC 0.00002.
gnomAD v4.1: 16 of 1,595,796 alleles (0.001%); highest among the groups gnomAD compares: East Asian, 0.027%; no homozygotes.

Submission:

Labcorp Genetics (formerly Invitae), Labcorp
Classification: Uncertain significance. Last evaluated: 2021-05-07. Review status: criteria provided, single submitter. Criteria: Invitae Variant Classification Sherloc (09022015). Collection method: clinical testing. Allele origin: germline.
Comment: This variant has not been reported in the literature in individuals with KIAA1549-related conditions. Algorithms developed to predict the effect of missense changes on protein structure and function (SIFT, PolyPhen-2, Align-GVGD) all suggest that this variant is likely to be disruptive, but these predictions have not been confirmed by published functional studies and their clinical significance is uncertain. In summary, the available evidence is currently insufficient to determine the role of this variant in disease. Therefore, it has been classified as a Variant of Uncertain Significance. This variant is present in population databases (rs752229213, ExAC 0.02%). This sequence change replaces serine with leucine at codon 1462 of the KIAA1549 protein (p.Ser1462Leu). The serine residue is highly conserved and there is a large physicochemical difference between serine and leucine.